The following is an entry in ClinVar:

NM_002334.4(LRP4):c.3020C>A (p.Ala1007Asp)

Gene: LRP4 (LDL receptor related protein 4; minus strand). Cytogenetic location: 11p11.2.
Variant type: single nucleotide variant.
Coding change: c.3020C>A on transcript NM_002334.4 (MANE Select); coding-DNA position 3020, C replaced by A.
Protein change: p.Ala1007Asp; replaces alanine 1007 with aspartic acid.
Molecular consequence: missense variant.
Genome position (GRCh38, 1-based): chr11:46,879,023, G>T on the plus strand (C>A on the coding strand, the complement: LRP4 is on the minus strand). VCF-style: chr11-46879023-G-T. GRCh37 (hg19) VCF-style: chr11-46900574-G-T.
Other names: short protein forms A1007D.
Identifiers: ClinVar variation 1373287 (VCV001373287.6), dbSNP rs2134807106, ClinGen allele CA380277067.

ClinVar aggregate classification (germline): Uncertain significance (1 of 4 stars; one submission).

Conditions:
Sclerosteosis 2 (SOST2). Identifiers: Orphanet 3152, MedGen C3280402, MONDO:0013679, OMIM 614305.
Congenital myasthenic syndrome 17. Identifiers: Orphanet 590, MedGen C4225377, MONDO:0014578, OMIM 616304.
Cenani-Lenz syndactyly syndrome. Also called: CENANI SYNDACTYLISM; SYNDACTYLY, TYPE VII. Identifiers: Orphanet 3258, MedGen C1859309, MONDO:0008931, OMIM 212780.

Submission:

Labcorp Genetics (formerly Invitae), Labcorp
Classification: Uncertain significance for Cenani-Lenz syndactyly syndrome; Sclerosteosis 2; Congenital myasthenic syndrome 17. Last evaluated: 2021-08-16. Review status: criteria provided, single submitter. Criteria: Invitae Variant Classification Sherloc (09022015). Collection method: clinical testing. Allele origin: germline.
Comment: In summary, the available evidence is currently insufficient to determine the role of this variant in disease. Therefore, it has been classified as a Variant of Uncertain Significance. Algorithms developed to predict the effect of missense changes on protein structure and function (SIFT, PolyPhen-2, Align-GVGD) all suggest that this variant is likely to be tolerated. This variant has not been reported in the literature in individuals affected with LRP4-related conditions. This variant is not present in population databases (ExAC no frequency). This sequence change replaces alanine with aspartic acid at codon 1007 of the LRP4 protein (p.Ala1007Asp). The alanine residue is moderately conserved and there is a moderate physicochemical difference between alanine and aspartic acid.